The following is an entry in ClinVar:

ClinVar aggregate classification (germline): Pathogenic (1 of 4 stars; one submission).

Allele frequency attached by ClinVar (database versions not stated): gnomAD exomes below 0.00001.
gnomAD v4.1: 1 of 1,613,806 alleles (0.000062%); highest among the groups gnomAD compares: Non-Finnish European, 0.000085%; no homozygotes.

Submission:

Labcorp Genetics (formerly Invitae), Labcorp
Classification: Pathogenic. Last evaluated: 2022-12-23. Review status: criteria provided, single submitter. Criteria: Invitae Variant Classification Sherloc (09022015). Collection method: clinical testing. Allele origin: germline.
Comment: For these reasons, this variant has been classified as Pathogenic. This variant has not been reported in the literature in individuals affected with TSPEAR-related conditions. This variant is not present in population databases (gnomAD no frequency). This sequence change creates a premature translational stop signal (p.Gln533*) in the TSPEAR gene. It is expected to result in an absent or disrupted protein product. Loss-of-function variants in TSPEAR are known to be pathogenic (PMID: 34042254).

Literature cited by the submitters: PubMed 34042254.

NM_144991.3(TSPEAR):c.1597C>T (p.Gln533Ter)

Genes: TSPEAR (thrombospondin type laminin G domain and EAR repeats; minus strand), TSPEAR-AS1 (TSPEAR antisense RNA 1; plus strand), LOC126653398 (CDK7 strongly-dependent group 2 enhancer GRCh37_chr21:45928270-45929469; plus strand). Cytogenetic location: 21q22.3.
Variant type: single nucleotide variant.
Coding change: c.1597C>T on transcript NM_144991.3 (MANE Select); coding-DNA position 1597, C replaced by T.
Protein change: p.Gln533Ter; replaces glutamine 533 with a stop codon.
Molecular consequence: nonsense. On other transcripts: non-coding transcript variant (1).
Genome position (GRCh38, 1-based): chr21:44,509,356, G>A on the plus strand (C>T on the coding strand, the complement: TSPEAR is on the minus strand). VCF-style: chr21-44509356-G-A. GRCh37 (hg19) VCF-style: chr21-45929239-G-A.
Other names: c.1393C>T, p.Gln465Ter (NM_001272037.2); short protein forms Q465*, Q533*.
Identifiers: ClinVar variation 2867671 (VCV002867671.3), dbSNP rs2517308868, ClinGen allele CA410432208.